The following is an entry in ClinVar:

NM_012208.4(HARS2):c.1354C>T (p.Gln452Ter)

Gene: HARS2 (histidyl-tRNA synthetase 2, mitochondrial; plus strand). Cytogenetic location: 5q31.3.
Variant type: single nucleotide variant.
Coding change: c.1354C>T on transcript NM_012208.4 (MANE Select); coding-DNA position 1354, C replaced by T.
Protein change: p.Gln452Ter; replaces glutamine 452 with a stop codon.
Molecular consequence: nonsense.
Genome position (GRCh38, 1-based): chr5:140,697,971, C>T. VCF-style: chr5-140697971-C-T. GRCh37 (hg19) VCF-style: chr5-140077556-C-T.
Other names: c.1279C>T, p.Gln427Ter (NM_001278731.2); c.922C>T, p.Gln308Ter (NM_001278732.2); c.1372C>T, p.Gln458Ter (NM_001363535.2); c.1144C>T, p.Gln382Ter (NM_001363536.2); short protein forms Q308*, Q382*, Q427*, Q452*, Q458*.
Identifiers: ClinVar variation 2413088 (VCV002413088.3), dbSNP rs1320282487, ClinGen allele CA361203185.

ClinVar aggregate classification (germline): Uncertain significance (1 of 4 stars; one submission).

Allele frequency attached by ClinVar (database versions not stated): TOPMed below 0.00001; gnomAD 0.00001.
gnomAD v4.1: 2 of 1,613,692 alleles (0.00012%); highest among the groups gnomAD compares: African/African-American, 0.0027%; no homozygotes.

Submission:

GeneDx
Classification: Uncertain significance. Last evaluated: 2022-07-05. Review status: criteria provided, single submitter. Criteria: GeneDx Variant Classification Process June 2021. Collection method: clinical testing. Allele origin: germline. Affected: yes.
Comment: Nonsense variant predicted to result in protein truncation or nonsense mediated decay in a gene for which loss of function is a known mechanism of disease; Has not been previously published as pathogenic or benign to our knowledge